The following is an entry in ClinVar:

NM_014861.4(ATP2C2):c.1920C>T (p.Arg640=)

Gene: ATP2C2 (ATPase secretory pathway Ca2+ transporting 2; plus strand). Cytogenetic location: 16q24.1.
Variant type: single nucleotide variant.
Coding change: c.1920C>T on transcript NM_014861.4 (MANE Select); coding-DNA position 1920, C replaced by T.
Protein change: p.Arg640=; no amino-acid change (arginine 640 retained).
Molecular consequence: synonymous variant.
Genome position (GRCh38, 1-based): chr16:84,453,226, C>T. VCF-style: chr16-84453226-C-T. GRCh37 (hg19) VCF-style: chr16-84486832-C-T.
Other names: c.1920C>T, p.Arg640= (NM_001286527.3); c.1467C>T, p.Arg489= (NM_001291454.2).
Identifiers: ClinVar variation 3033252 (VCV003033252.2), dbSNP rs759660872, ClinGen allele CA8207718.

ClinVar aggregate classification (germline): Likely benign (0 of 4 stars; one submission).

Conditions:
ATP2C2-related disorder. Also called: ATP2C2-related condition.

Allele frequency attached by ClinVar (database versions not stated): ExAC 0.00001; gnomAD exomes 0.00001; TOPMed 0.00003.
gnomAD v4.1: 13 of 1,613,876 alleles (0.00081%); highest among the groups gnomAD compares: Middle Eastern, 0.016%; no homozygotes.

Submission:

PreventionGenetics, part of Exact Sciences
Classification: Likely benign for ATP2C2-related condition. Last evaluated: 2019-06-18. Review status: no assertion criteria provided. Collection method: clinical testing. Allele origin: germline.
Comment: This variant is classified as likely benign based on ACMG/AMP sequence variant interpretation guidelines (Richards et al. 2015 PMID: 25741868, with internal and published modifications).